The following is an entry in ClinVar:

ClinVar aggregate classification (germline): Likely benign. Review status: criteria provided, multiple submitters, no conflicts (2 of 4 stars). 2 submissions from 2 submitters: Likely benign (2). Last evaluated 2025-12-01.

Conditions:
KBG syndrome (KBGS). Also called: ANKRD11-Related KBG Syndrome. Identifiers: Orphanet 2332, MedGen C0220687, MONDO:0007846, OMIM 148050.

gnomAD v4.1: 2 of 1,614,072 alleles (0.00012%); highest among the groups gnomAD compares: Admixed American, 0.0017%; no homozygotes.

Submissions (2):

CeGaT Center for Human Genetics Tuebingen
Classification: Likely benign. Last evaluated: 2025-12-01. Review status: criteria provided, single submitter. Criteria: CeGaT Center For Human Genetics Tuebingen Variant Classification Criteria Version 2. Collection method: clinical testing. Allele origin: germline. Affected: yes. Observed: 1 variant allele.
Comment: ANKRD11: BP4, BP7

Labcorp Genetics (formerly Invitae), Labcorp
Classification: Likely benign for KBG syndrome. Last evaluated: 2025-12-01. Review status: criteria provided, single submitter. Criteria: Invitae Variant Classification Sherloc (09022015). Collection method: clinical testing. Allele origin: germline.

NM_013275.6(ANKRD11):c.2601C>T (p.Asp867=)

Gene: ANKRD11 (ankyrin repeat domain 11; minus strand). Cytogenetic location: 16q24.3.
Variant type: single nucleotide variant.
Coding change: c.2601C>T on transcript NM_013275.6 (MANE Select); coding-DNA position 2601, C replaced by T.
Protein change: p.Asp867=; no amino-acid change (aspartic acid 867 retained).
Molecular consequence: synonymous variant.
Genome position (GRCh38, 1-based): chr16:89,283,941, G>A on the plus strand (C>T on the coding strand, the complement: ANKRD11 is on the minus strand). VCF-style: chr16-89283941-G-A. GRCh37 (hg19) VCF-style: chr16-89350349-G-A.
Other names: c.2601C>T, p.Asp867= (NM_001256182.2, NM_001256183.2).
Identifiers: ClinVar variation 3676537 (VCV003676537.6).